The following is an entry in ClinVar:

ClinVar aggregate classification (germline): Pathogenic/Likely pathogenic. Review status: criteria provided, multiple submitters, no conflicts (2 of 4 stars). 3 submissions from 3 submitters: Pathogenic (1); Likely pathogenic (2). Last evaluated 2025-06-08.

Conditions:
Combined immunodeficiency with skin granulomas. Identifiers: Orphanet 157949, MedGen C2673536, MONDO:0009306, OMIM 233650.
Combined immunodeficiency due to partial RAG1 deficiency. Identifiers: Orphanet 231154, MedGen C1835931, MONDO:0012359, OMIM 609889.
Histiocytic medullary reticulosis. Also called: SEVERE COMBINED IMMUNODEFICIENCY WITH HYPEREOSINOPHILIA; Omenn syndrome. Identifiers: Orphanet 39041, MedGen C2700553, MONDO:0011338, OMIM 603554.
Severe combined immunodeficiency, autosomal recessive, T cell-negative, B cell-negative, NK cell-positive. Also called: SCID, AR, T-cell negative, B-cell negative, NK cell-positive; Severe combined immunodeficiency due to complete RAG1/2 deficiency; SCID, T CELL-NEGATIVE, B CELL-NEGATIVE, NK CELL-POSITIVE. Identifiers: Orphanet 331206, MedGen C1832322, MONDO:0011086, OMIM 601457.
Severe combined immunodeficiency disease. Also called: Severe Combined Immune Deficiency; Severe combined immunodeficiency. Identifiers: Orphanet 183660, MedGen C0085110, MeSH D016511, MONDO:0015974, HP:0004430. Inheritance: X-Linked or Autosomal recessive.

Allele frequency attached by ClinVar (database versions not stated): ExAC 0.00001; gnomAD 0.00003; TOPMed 0.00003.
gnomAD v4.1: 4 of 1,614,092 alleles (0.00025%); highest among the groups gnomAD compares: African/African-American, 0.0053%; no homozygotes.

Submissions (3):

Labcorp Genetics (formerly Invitae), Labcorp
Classification: Pathogenic for Combined immunodeficiency with skin granulomas; Severe combined immunodeficiency, autosomal recessive, T cell-negative, B cell-negative, NK cell-positive. Last evaluated: 2025-06-08. Review status: criteria provided, single submitter. Criteria: Invitae Variant Classification Sherloc (09022015). Collection method: clinical testing. Allele origin: germline.
Comment: This sequence change replaces cysteine, which is neutral and slightly polar, with phenylalanine, which is neutral and non-polar, at codon 730 of the RAG1 protein (p.Cys730Phe). This variant is present in population databases (rs770771227, gnomAD 0.008%). This missense change has been observed in individual(s) with Omenn syndrome (PMID: 11313270). In at least one individual the data is consistent with being in trans (on the opposite chromosome) from a pathogenic variant. This variant is also known as G2301T G730F; G720C. ClinVar contains an entry for this variant (Variation ID: 3251834). Invitae Evidence Modeling of protein sequence and biophysical properties (such as structural, functional, and spatial information, amino acid conservation, physicochemical variation, residue mobility, and thermodynamic stability) has been performed for this missense variant. However, the output from this modeling did not meet the statistical confidence thresholds required to predict the impact of this variant on RAG1 protein function. Experimental studies have shown that this missense change affects RAG1 function (PMID: 11313270). This variant disrupts the p.Cys730 amino acid residue in RAG1. Other variant(s) that disrupt this residue have been determined to be pathogenic (PMID: 26476733). This suggests that this residue is clinically significant, and that variants that disrupt this residue are likely to be disease-causing. For these reasons, this variant has been classified as Pathogenic.

Fulgent Genetics
Classification: Likely pathogenic for Combined immunodeficiency with skin granulomas; Severe combined immunodeficiency, autosomal recessive, T cell-negative, B cell-negative, NK cell-positive; Histiocytic medullary reticulosis; Combined immunodeficiency due to partial RAG1 deficiency. Last evaluated: 2024-04-20. Review status: criteria provided, single submitter. Criteria: ACMG Guidelines, 2015. Collection method: clinical testing. Allele origin: germline.

Women's Health and Genetics/Laboratory Corporation of America, LabCorp
Classification: Likely pathogenic for Severe combined immunodeficiency disease. Last evaluated: 2024-04-19. Review status: criteria provided, single submitter. Criteria: LabCorp Variant Classification Summary - May 2015. Collection method: clinical testing. Allele origin: germline.
Comment: Variant summary: RAG1 c.2189G>T (p.Cys730Phe) results in a non-conservative amino acid change in the encoded protein sequence. Five of five in-silico tools predict a damaging effect of the variant on protein function. The variant allele was found at a frequency of 8e-06 in 251404 control chromosomes. c.2189G>T has been reported in the literature in at least one compound heterozygous individual affected with Severe Combined Immunodeficiency (e.g. Lee_2014). At least one publication reports experimental evidence evaluating an impact on protein function. The most pronounced variant effect results in null VDJ recombination activity (e.g. Lee_2014). The following publication has been ascertained in the context of this evaluation (PMID: 24290284). No submitters have cited clinical-significance assessments for this variant to ClinVar. Based on the evidence outlined above, the variant was classified as likely pathogenic.

Literature cited by the submitters: PubMed 11313270 (cited by Labcorp Genetics (formerly Invitae), Labcorp and Women's Health and Genetics/Laboratory Corporation of America, LabCorp); PubMed 26476733 (cited by Labcorp Genetics (formerly Invitae), Labcorp); PubMed 24290284 (cited by Women's Health and Genetics/Laboratory Corporation of America, LabCorp).

NM_000448.3(RAG1):c.2189G>T (p.Cys730Phe)

Gene: RAG1 (recombination activating 1; plus strand). Cytogenetic location: 11p12.
Variant type: single nucleotide variant.
Coding change: c.2189G>T on transcript NM_000448.3 (MANE Select); coding-DNA position 2189, G replaced by T.
Protein change: p.Cys730Phe; replaces cysteine 730 with phenylalanine.
Molecular consequence: missense variant.
Genome position (GRCh38, 1-based): chr11:36,575,493, G>T. VCF-style: chr11-36575493-G-T. GRCh37 (hg19) VCF-style: chr11-36597043-G-T.
Other names: c.2189G>T, p.Cys730Phe (NM_001377277.1, NM_001377278.1, NM_001377279.1 and 1 more transcripts); short protein forms C730F.
Identifiers: ClinVar variation 3251834 (VCV003251834.3), dbSNP rs770771227.
Genomic context (GRCh38, chr11:36,575,493, plus strand): 5'-ATGATGAAAAACTTGTGCGGGAAGTGGAAGGCCTCGAGGCTTCTGGCTCAGTCTACATTT[G>T]TACTCTTTGTGATGCCACCCGTCTGGAAGCCTCTCAAAATCTTGTCTTCCACTCTATAAC-3'
Protein context (NP_000439.2, residues 720-740): GLEASGSVYI[Cys730Phe]TLCDATRLEA